The following is an entry in ClinVar:

ClinVar aggregate classification (germline): Uncertain significance (1 of 4 stars; one submission).

Submission:

GeneDx
Classification: Uncertain significance. Last evaluated: 2026-03-30. Review status: criteria provided, single submitter. Criteria: GeneDx Variant Classification Process June 2021. Collection method: clinical testing. Allele origin: germline.
Comment: Not observed at significant frequency in large population cohorts (gnomAD); In-frame deletion of 2 amino acid(s) and insertion of 1 different amino acid(s) in a non-repeat region; In silico analysis supports a deleterious effect on protein structure/function; Has not been previously published as pathogenic or benign to our knowledge

NM_138792.4(LEO1):c.1622_1624del (p.Glu541_Arg542delinsGly)

Gene: LEO1 (LEO1 component of Paf1/RNA polymerase II complex; minus strand). Cytogenetic location: 15q21.2.
Variant type: Deletion.
Coding change: c.1622_1624del on transcript NM_138792.4 (MANE Select); coding-DNA positions 1622 to 1624, 3 bases deleted (AAC; older notation c.1622_1624delAAC).
Protein change: p.Glu541_Arg542delinsGly.
Molecular consequence: inframe indel.
Genome position (GRCh38, 1-based): chr15:51,949,982-51,949,984, GTT deleted on the plus strand (AAC on the coding strand, the reverse complement: LEO1 is on the minus strand). VCF-style (leftmost placement, unchanged base first): chr15-51949981-CGTT-C. GRCh37 (hg19) VCF-style: chr15-52242178-CGTT-C.
Other names: c.1442_1444del, p.Glu481_Arg482delinsGly (NM_001286430.2); c.1622_1624del, p.Glu541_Arg542delinsGly (NM_001323903.2, NM_001323904.2, NM_001426597.1 and 1 more transcripts).
Identifiers: ClinVar variation 4281739 (VCV004281739.2).